The following is an entry in ClinVar:

ClinVar aggregate classification (germline): Uncertain significance (1 of 4 stars; one submission).

Allele frequency attached by ClinVar (database versions not stated): TOPMed below 0.00001; ExAC 0.00001.

Submission:

Labcorp Genetics (formerly Invitae), Labcorp
Classification: Uncertain significance. Last evaluated: 2024-05-15. Review status: criteria provided, single submitter. Criteria: Invitae Variant Classification Sherloc (09022015). Collection method: clinical testing. Allele origin: germline.
Comment: This sequence change replaces proline, which is neutral and non-polar, with threonine, which is neutral and polar, at codon 310 of the EXTL3 protein (p.Pro310Thr). This variant is present in population databases (rs750343583, gnomAD 0.007%). This variant has not been reported in the literature in individuals affected with EXTL3-related conditions. ClinVar contains an entry for this variant (Variation ID: 2022043). Advanced modeling of protein sequence and biophysical properties (such as structural, functional, and spatial information, amino acid conservation, physicochemical variation, residue mobility, and thermodynamic stability) performed at Invitae indicates that this missense variant is not expected to disrupt EXTL3 protein function with a negative predictive value of 80%. In summary, the available evidence is currently insufficient to determine the role of this variant in disease. Therefore, it has been classified as a Variant of Uncertain Significance.

NM_001440.4(EXTL3):c.928C>A (p.Pro310Thr)

Gene: EXTL3 (exostosin like glycosyltransferase 3; plus strand). Cytogenetic location: 8p21.1.
Variant type: single nucleotide variant.
Coding change: c.928C>A on transcript NM_001440.4 (MANE Select); coding-DNA position 928, C replaced by A.
Protein change: p.Pro310Thr; replaces proline 310 with threonine.
Molecular consequence: missense variant.
Genome position (GRCh38, 1-based): chr8:28,716,987, C>A. VCF-style: chr8-28716987-C-A. GRCh37 (hg19) VCF-style: chr8-28574504-C-A.
Other names: short protein forms P310T.
Identifiers: ClinVar variation 2022043 (VCV002022043.3), dbSNP rs750343583, ClinGen allele CA4696093.